The following is an entry in ClinVar:

ClinVar aggregate classification (germline): Likely benign (1 of 4 stars; one submission).

Conditions:
SEMA3E-related disorder. Also called: SEMA3E-related condition.

gnomAD v4.1: 2 of 1,613,430 alleles (0.00012%); highest among the groups gnomAD compares: Admixed American, 0.0033%; no homozygotes.

Submission:

PreventionGenetics, part of Exact Sciences
Classification: Likely benign for SEMA3E-related condition. Last evaluated: 2024-12-12. Review status: criteria provided, single submitter. Criteria: ACMG Guidelines, 2015. Collection method: clinical testing. Allele origin: germline.
Comment: This variant is classified as likely benign based on ACMG/AMP sequence variant interpretation guidelines (Richards et al. 2015 PMID: 25741868, with internal and published modifications).

NM_012431.3(SEMA3E):c.33C>G (p.Leu11=)

Gene: SEMA3E (semaphorin 3E; minus strand). Cytogenetic location: 7q21.11.
Variant type: single nucleotide variant.
Coding change: c.33C>G on transcript NM_012431.3 (MANE Select); coding-DNA position 33, C replaced by G.
Protein change: p.Leu11=; no amino-acid change (leucine 11 retained).
Molecular consequence: synonymous variant.
Genome position (GRCh38, 1-based): chr7:83,648,510, G>C on the plus strand (C>G on the coding strand, the complement: SEMA3E is on the minus strand). VCF-style: chr7-83648510-G-C. GRCh37 (hg19) VCF-style: chr7-83277826-G-C.
Identifiers: ClinVar variation 5002627 (VCV005002627.1).
Genomic context (GRCh38, chr7:83,648,510, plus strand): 5'-GGGGTGGGTAGTATCAGCTGTATGACCTCCTGTCCAAAGCTCCAGTAAGTAACCCCACAG[G>C]AGCAAGGTGATAATGTGCCCCGCGGATGCCATGCTGCCGTGTTCACCGTCCAAGCCCTCG-3'
Protein context (NP_036563.1, residues 1-21): MASAGHIITL[Leu11=]LWGYLLELWT